The following is an entry in ClinVar:

NM_001243925.2(MAPKAPK3):c.755C>T (p.Pro252Leu)

Gene: MAPKAPK3 (MAPK activated protein kinase 3; plus strand). Cytogenetic location: 3p21.2.
Variant type: single nucleotide variant.
Coding change: c.755C>T on transcript NM_001243925.2 (MANE Select); coding-DNA position 755, C replaced by T.
Protein change: p.Pro252Leu; replaces proline 252 with leucine.
Molecular consequence: missense variant.
Genome position (GRCh38, 1-based): chr3:50,646,190, C>T. VCF-style: chr3-50646190-C-T. GRCh37 (hg19) VCF-style: chr3-50683621-C-T.
Other names: c.755C>T, p.Pro252Leu (NM_001243926.2, NM_004635.5); c.755C>T (NM_004635.4); short protein forms P252L.
Identifiers: ClinVar variation 1973093 (VCV001973093.6), dbSNP rs975963806, ClinGen allele CA74628092.

ClinVar aggregate classification (germline): Uncertain significance. Review status: criteria provided, multiple submitters, no conflicts (2 of 4 stars). 2 submissions from 2 submitters: Uncertain significance (2). Last evaluated 2025-10-07.

Allele frequency attached by ClinVar (database versions not stated): gnomAD exomes 0.00002.
gnomAD v4.1: 32 of 1,614,144 alleles (0.002%); highest among the groups gnomAD compares: South Asian, 0.0077%; no homozygotes.

Submissions (2):

Labcorp Genetics (formerly Invitae), Labcorp
Classification: Uncertain significance. Last evaluated: 2025-10-07. Review status: criteria provided, single submitter. Criteria: Invitae Variant Classification Sherloc (09022015). Collection method: clinical testing. Allele origin: germline.
Comment: This sequence change replaces proline, which is neutral and non-polar, with leucine, which is neutral and non-polar, at codon 252 of the MAPKAPK3 protein (p.Pro252Leu). This variant is present in population databases (no rsID available, gnomAD 0.01%). This variant has not been reported in the literature in individuals affected with MAPKAPK3-related conditions. ClinVar contains an entry for this variant (Variation ID: 1973093). An algorithm developed to predict the effect of missense changes on protein structure and function (PolyPhen-2) suggests that this variant is likely to be disruptive. In summary, the available evidence is currently insufficient to determine the role of this variant in disease. Therefore, it has been classified as a Variant of Uncertain Significance.

Ambry Genetics
Classification: Uncertain significance. Last evaluated: 2025-01-15. Review status: criteria provided, single submitter. Criteria: Ambry Variant Classification Scheme 2023. Collection method: clinical testing. Allele origin: germline.